The following is an entry in ClinVar:

ClinVar aggregate classification (germline): Uncertain significance (1 of 4 stars; one submission).

Conditions:
Cardiovascular phenotype. Identifiers: MedGen CN230736.

gnomAD v4.1: 3 of 1,195,525 alleles (0.00025%); highest among the groups gnomAD compares: African/African-American, 0.0035%; no homozygotes.

Submission:

Ambry Genetics
Classification: Uncertain significance for Cardiovascular phenotype. Last evaluated: 2026-06-30. Review status: criteria provided, single submitter. Criteria: Ambry Variant Classification Scheme 2023. Collection method: clinical testing. Allele origin: germline.
Comment: The c.7310-3T>C intronic variant results from a T to C substitution 3 nucleotides upstream from coding exon 51 in the DMD gene. This variant was reported in individual(s) with features consistent with dilated cardiomyopathy (Ambry internal data). This nucleotide position is highly conserved in available vertebrate species. In silico splice site analysis predicts that this alteration will not have any significant effect on splicing. Based on the available evidence, the clinical significance of this variant remains unclear.

NM_004006.3(DMD):c.7310-3T>C

Gene: DMD (dystrophin; minus strand). Cytogenetic location: Xp21.1.
Variant type: single nucleotide variant.
Coding change: c.7310-3T>C on transcript NM_004006.3 (MANE Select); 3 bases into the intron before coding-DNA position 7310, T replaced by C.
Molecular consequence: intron variant.
Genome position (GRCh38, 1-based): chrX:31,774,195, A>G on the plus strand (T>C on the coding strand, the complement: DMD is on the minus strand). VCF-style: chrX-31774195-A-G. GRCh37 (hg19) VCF-style: chrX-31792312-A-G.
Other names: c.7286-3T>C (NM_000109.4); c.3287-3T>C (NM_004011.4); c.3278-3T>C (NM_004012.4); c.-71-3T>C (NM_004023.3, NM_004020.4, NM_004022.3 and 2 more transcripts); c.7298-3T>C (NM_004009.3); c.6941-3T>C (NM_004010.3).
Identifiers: ClinVar variation 5035383 (VCV005035383.1).